The following is an entry in ClinVar:

NM_152281.3(GORAB):c.662G>A (p.Arg221Gln)

Gene: GORAB (golgin, RAB6 interacting; plus strand). Cytogenetic location: 1q24.2.
Variant type: single nucleotide variant.
Coding change: c.662G>A on transcript NM_152281.3 (MANE Select); coding-DNA position 662, G replaced by A.
Protein change: p.Arg221Gln; replaces arginine 221 with glutamine.
Molecular consequence: missense variant. On other transcripts: non-coding transcript variant (1).
Genome position (GRCh38, 1-based): chr1:170,544,845, G>A. VCF-style: chr1-170544845-G-A. GRCh37 (hg19) VCF-style: chr1-170513986-G-A.
Other names: c.662G>A, p.Arg221Gln (NM_001146039.2); c.197G>A, p.Arg66Gln (NM_001320252.2); short protein forms R221Q, R66Q.
Identifiers: ClinVar variation 1675394 (VCV001675394.35), dbSNP rs773728833, ClinGen allele CA1239198.

ClinVar aggregate classification (germline): Uncertain significance. Review status: criteria provided, multiple submitters, no conflicts (2 of 4 stars). 2 submissions from 2 submitters: Uncertain significance (2). Last evaluated 2025-02-01.

Allele frequency attached by ClinVar (database versions not stated): gnomAD 0.00001; gnomAD exomes 0.00001; ExAC 0.00002.
gnomAD v4.1: 9 of 1,605,708 alleles (0.00056%); highest among the groups gnomAD compares: East Asian, 0.0067%; no homozygotes.

Submissions (2):

CeGaT Center for Human Genetics Tuebingen
Classification: Uncertain significance. Last evaluated: 2025-02-01. Review status: criteria provided, single submitter. Criteria: CeGaT Center For Human Genetics Tuebingen Variant Classification Criteria Version 2. Collection method: clinical testing. Allele origin: germline. Affected: yes. Observed: 2 variant alleles.
Comment: GORAB: PM2, BP4

Labcorp Genetics (formerly Invitae), Labcorp
Classification: Uncertain significance. Last evaluated: 2022-09-01. Review status: criteria provided, single submitter. Criteria: Invitae Variant Classification Sherloc (09022015). Collection method: clinical testing. Allele origin: germline.
Comment: This sequence change replaces arginine, which is basic and polar, with glutamine, which is neutral and polar, at codon 246 of the GORAB protein (p.Arg246Gln). This variant also falls at the last nucleotide of exon 4, which is part of the consensus splice site for this exon. This variant is present in population databases (rs773728833, gnomAD 0.003%). This variant has not been reported in the literature in individuals affected with GORAB-related conditions. ClinVar contains an entry for this variant (Variation ID: 1675394). Algorithms developed to predict the effect of missense changes on protein structure and function output the following: SIFT: "Deleterious"; PolyPhen-2: "Benign"; Align-GVGD: "Class C0". The glutamine amino acid residue is found in multiple mammalian species, which suggests that this missense change does not adversely affect protein function. Variants that disrupt the consensus splice site are a relatively common cause of aberrant splicing (PMID: 17576681, 9536098). Algorithms developed to predict the effect of sequence changes on RNA splicing suggest that this variant may disrupt the consensus splice site. In summary, the available evidence is currently insufficient to determine the role of this variant in disease. Therefore, it has been classified as a Variant of Uncertain Significance.

Literature cited by the submitters: PubMed 17576681 (cited by Labcorp Genetics (formerly Invitae), Labcorp); PubMed 9536098 (cited by Labcorp Genetics (formerly Invitae), Labcorp).